The following is an entry in ClinVar:

ClinVar aggregate classification (germline): Uncertain significance (1 of 4 stars; one submission).

Conditions:
Hereditary spastic paraplegia 39 (SPG39). Also called: Spastic Paraplegia Type 39 (SPG39); SPASTIC PARAPLEGIA 39, AUTOSOMAL RECESSIVE. Identifiers: Orphanet 139480, MedGen C2677586, MONDO:0012787, OMIM 612020.

Allele frequency attached by ClinVar (database versions not stated): TOPMed below 0.00001; gnomAD exomes 0.00001.
gnomAD v4.1: 3 of 1,614,078 alleles (0.00019%); highest among the groups gnomAD compares: Admixed American, 0.005%; no homozygotes.

Submission:

Labcorp Genetics (formerly Invitae), Labcorp
Classification: Uncertain significance for Hereditary spastic paraplegia 39. Last evaluated: 2025-05-05. Review status: criteria provided, single submitter. Criteria: Invitae Variant Classification Sherloc (09022015). Collection method: clinical testing. Allele origin: germline.
Comment: This sequence change replaces proline, which is neutral and non-polar, with leucine, which is neutral and non-polar, at codon 814 of the PNPLA6 protein (p.Pro814Leu). This variant is present in population databases (no rsID available, gnomAD 0.009%). This variant has not been reported in the literature in individuals affected with PNPLA6-related conditions. ClinVar contains an entry for this variant (Variation ID: 1991969). Invitae Evidence Modeling of protein sequence and biophysical properties (such as structural, functional, and spatial information, amino acid conservation, physicochemical variation, residue mobility, and thermodynamic stability) indicates that this missense variant is not expected to disrupt PNPLA6 protein function with a negative predictive value of 80%. In summary, the available evidence is currently insufficient to determine the role of this variant in disease. Therefore, it has been classified as a Variant of Uncertain Significance.

NM_001166114.2(PNPLA6):c.2555C>T (p.Pro852Leu)

Gene: PNPLA6 (patatin like domain 6, lysophospholipase; plus strand). Cytogenetic location: 19p13.2.
Variant type: single nucleotide variant.
Coding change: c.2555C>T on transcript NM_001166114.2 (MANE Select); coding-DNA position 2555, C replaced by T.
Protein change: p.Pro852Leu; replaces proline 852 with leucine.
Molecular consequence: missense variant.
Genome position (GRCh38, 1-based): chr19:7,554,644, C>T. VCF-style: chr19-7554644-C-T. GRCh37 (hg19) VCF-style: chr19-7619530-C-T.
Other names: c.2585C>T, p.Pro862Leu (NM_001166111.2); c.2360C>T, p.Pro787Leu (NM_001166112.2); c.2441C>T, p.Pro814Leu (NM_001166113.1, NM_006702.5); short protein forms P787L, P852L, P862L, P814L.
Identifiers: ClinVar variation 1991969 (VCV001991969.4), dbSNP rs1228158488, ClinGen allele CA403128796.